The following is an entry in ClinVar:

ClinVar aggregate classification (germline): Pathogenic (1 of 4 stars; one submission).

Submission:

Labcorp Genetics (formerly Invitae), Labcorp
Classification: Pathogenic. Last evaluated: 2024-12-22. Review status: criteria provided, single submitter. Criteria: Invitae Variant Classification Sherloc (09022015). Collection method: clinical testing. Allele origin: germline.
Comment: This sequence change creates a premature translational stop signal (p.Gly766Lysfs*13) in the COL11A1 gene. It is expected to result in an absent or disrupted protein product. Loss-of-function variants in COL11A1 are known to be pathogenic (PMID: 20513134, 21035103, 23922384, 25240749, 32427345, 32756486). This variant is not present in population databases (gnomAD no frequency). This variant has not been reported in the literature in individuals affected with COL11A1-related conditions. Algorithms developed to predict the effect of sequence changes on RNA splicing suggest that this variant may disrupt the consensus splice site. For these reasons, this variant has been classified as Pathogenic.

Literature cited by the submitters: PubMed 20513134; PubMed 21035103; PubMed 23922384; PubMed 25240749; PubMed 32427345; PubMed 32756486.

NM_001854.4(COL11A1):c.2292_2295dup (p.Gly766fs)

Gene: COL11A1 (collagen type XI alpha 1 chain; minus strand). Cytogenetic location: 1p21.1.
Variant type: Duplication.
Coding change: c.2292_2295dup on transcript NM_001854.4 (MANE Select); coding-DNA positions 2292 to 2295, 4 bases duplicated (AAAG; older notation c.2292_2295dupAAAG).
Protein change: p.Gly766fs; shifts the reading frame from glycine 766.
Molecular consequence: frameshift variant. On other transcripts: non-coding transcript variant (1).
Genome position (GRCh38, 1-based): chr1:102,995,989-102,995,992, CTTT duplicated on the plus strand (AAAG on the coding strand, the reverse complement: COL11A1 is on the minus strand). VCF-style (leftmost placement, unchanged base first): chr1-102995988-C-CCTTT. GRCh37 (hg19) VCF-style: chr1-103461544-C-CCTTT.
Other names: c.2175_2178dup, p.Gly727fs (NM_001190709.2); c.2328_2331dup, p.Gly778fs (NM_080629.3); c.1944_1947dup, p.Gly650fs (NM_080630.4); short protein forms G727fs, G766fs, G650fs, G778fs.
Identifiers: ClinVar variation 3727769 (VCV003727769.2).
Genomic context (GRCh38, chr1:102,995,988, plus strand): 5'-TATTAAGTGAATATAACATTTCACTTTGAAAGTAAATAATGTGAAAACAATTTAACGTTA[C>CCTTT]CTTTACTCCCCGGGGGCCCGGGTATCCAATAGGACCTTGTGGACCAGGGGGACCCTGAAA-3'